The following is an entry in ClinVar:

ClinVar aggregate classification (germline): Uncertain significance (1 of 4 stars; one submission).

Submission:

GeneDx
Classification: Uncertain significance. Last evaluated: 2024-01-30. Review status: criteria provided, single submitter. Criteria: GeneDx Variant Classification Process June 2021. Collection method: clinical testing. Allele origin: germline. Affected: yes.
Comment: Not observed at significant frequency in large population cohorts (gnomAD); In silico analysis supports that this missense variant has a deleterious effect on protein structure/function; Has not been previously published as pathogenic or benign to our knowledge

NM_016628.5(WAC):c.8T>C (p.Met3Thr)

Genes: WAC (WW domain containing adaptor with coiled-coil; plus strand), LOC130003574 (ATAC-STARR-seq lymphoblastoid silent region 2253; plus strand). Cytogenetic location: 10p12.1.
Variant type: single nucleotide variant.
Coding change: c.8T>C on transcript NM_016628.5 (MANE Select); coding-DNA position 8, T replaced by C.
Protein change: p.Met3Thr; replaces methionine 3 with threonine.
Molecular consequence: missense variant. On other transcripts: intron variant (1).
Genome position (GRCh38, 1-based): chr10:28,533,587, T>C. VCF-style: chr10-28533587-T-C. GRCh37 (hg19) VCF-style: chr10-28822516-T-C.
Other names: c.8T>C, p.Met3Thr (NM_100486.4); c.-94-411T>C (NM_100264.3); short protein forms M3T.
Identifiers: ClinVar variation 1310182 (VCV001310182.3), dbSNP rs2132290283, ClinGen allele CA376493199.